The following is an entry in ClinVar:

ClinVar aggregate classification (germline): Uncertain significance (1 of 4 stars; one submission).

Conditions:
Baller-Gerold syndrome (BGS). Also called: CRANIOSYNOSTOSIS WITH RADIAL DEFECTS. Identifiers: Orphanet 1225, MedGen C0265308, MONDO:0009039, OMIM 218600.

Submission:

Labcorp Genetics (formerly Invitae), Labcorp
Classification: Uncertain significance for Baller-Gerold syndrome. Last evaluated: 2020-12-26. Review status: criteria provided, single submitter. Criteria: Invitae Variant Classification Sherloc (09022015). Collection method: clinical testing. Allele origin: germline.
Comment: In summary, the available evidence is currently insufficient to determine the role of this variant in disease. Therefore, it has been classified as a Variant of Uncertain Significance. Experimental studies and prediction algorithms are not available or were not evaluated, and the functional significance of this variant is currently unknown. This variant has not been reported in the literature in individuals with RECQL4-related conditions. This variant is not present in population databases (ExAC no frequency). This sequence change replaces threonine with isoleucine at codon 145 of the RECQL4 protein (p.Thr145Ile). The threonine residue is moderately conserved and there is a moderate physicochemical difference between threonine and isoleucine.

NM_004260.4(RECQL4):c.434C>T (p.Thr145Ile)

Gene: RECQL4 (RecQ like helicase 4; minus strand). Cytogenetic location: 8q24.3.
Variant type: single nucleotide variant.
Coding change: c.434C>T on transcript NM_004260.4 (MANE Select); coding-DNA position 434, C replaced by T.
Protein change: p.Thr145Ile; replaces threonine 145 with isoleucine.
Molecular consequence: missense variant.
Genome position (GRCh38, 1-based): chr8:144,516,685, G>A on the plus strand (C>T on the coding strand, the complement: RECQL4 is on the minus strand). VCF-style: chr8-144516685-G-A. GRCh37 (hg19) VCF-style: chr8-145742069-G-A.
Other names: short protein forms T145I.
Identifiers: ClinVar variation 1460775 (VCV001460775.6), dbSNP rs2130728963, ClinGen allele CA372691500.